The following is an entry in ClinVar:

ClinVar aggregate classification (germline): Uncertain significance. Review status: criteria provided, multiple submitters, no conflicts (2 of 4 stars). 2 submissions from 2 submitters: Uncertain significance (2). Last evaluated 2025-08-26.

Allele frequency attached by ClinVar (database versions not stated): ExAC 0.00002; ESP Exome Variant Server 0.00015.
gnomAD v4.1: 59 of 1,609,410 alleles (0.0037%); highest among the groups gnomAD compares: Non-Finnish European, 0.0048%; no homozygotes.

Submissions (2):

Ambry Genetics
Classification: Uncertain significance. Last evaluated: 2025-08-26. Review status: criteria provided, single submitter. Criteria: Ambry Variant Classification Scheme 2023. Collection method: clinical testing. Allele origin: germline.

CeGaT Center for Human Genetics Tuebingen
Classification: Uncertain significance. Last evaluated: 2024-03-01. Review status: criteria provided, single submitter. Criteria: CeGaT Center For Human Genetics Tuebingen Variant Classification Criteria Version 2. Collection method: clinical testing. Allele origin: germline. Affected: yes. Observed: 1 variant allele.
Comment: VWA1: PM2:Supporting

NM_022834.5(VWA1):c.215G>A (p.Arg72His)

Gene: VWA1 (von Willebrand factor A domain containing 1; plus strand). Cytogenetic location: 1p36.33.
Variant type: single nucleotide variant.
Coding change: c.215G>A on transcript NM_022834.5 (MANE Select); coding-DNA position 215, G replaced by A.
Protein change: p.Arg72His; replaces arginine 72 with histidine.
Molecular consequence: missense variant. On other transcripts: intron variant (1).
Genome position (GRCh38, 1-based): chr1:1,437,068, G>A. VCF-style: chr1-1437068-G-A. GRCh37 (hg19) VCF-style: chr1-1372448-G-A.
Other names: c.74-254G>A (NM_199121.3); c.215G>A (NM_022834.4); short protein forms R72H.
Identifiers: ClinVar variation 3067304 (VCV003067304.22), dbSNP rs373253370, ClinGen allele CA523064.
Genomic context (GRCh38, chr1:1,437,068, plus strand): 5'-GGGTTCGGGAGTTTGTGGGGCAGCTGGTGGCTCCACTGCCCCTGGGCACCGGGGCCCTGC[G>A]TGCCAGTCTGGTGCACGTGGGCAGTCGGCCATACACCGAGTTCCCCTTCGGCCAGCACAG-3'
Protein context (NP_073745.2, residues 62-82): APLPLGTGAL[Arg72His]ASLVHVGSRP